The following is an entry in ClinVar:

ClinVar aggregate classification (germline): Conflicting classifications of pathogenicity. Review status: criteria provided, conflicting classifications (1 of 4 stars). 2 submissions from 2 submitters: Uncertain significance (1); Likely benign (1). Last evaluated 2022-08-01.

Allele frequency attached by ClinVar (database versions not stated): TOPMed below 0.00001; gnomAD 0.00001; gnomAD exomes 0.00001 and 0.00002.
gnomAD v4.1: 16 of 1,208,096 alleles (0.0013%); highest among the groups gnomAD compares: East Asian, 0.0059%; no homozygotes.

Submissions (2):

CeGaT Center for Human Genetics Tuebingen
Classification: Likely benign. Last evaluated: 2022-08-01. Review status: criteria provided, single submitter. Criteria: CeGaT Center For Human Genetics Tuebingen Variant Classification Criteria Version 2. Collection method: clinical testing. Allele origin: germline. Affected: yes. Observed: 1 variant allele.
Comment: ZNF711: BP4

GeneDx
Classification: Uncertain significance. Last evaluated: 2017-04-06. Review status: criteria provided, single submitter. Criteria: GeneDx Variant Classification (06012015). Collection method: clinical testing. Allele origin: germline. Affected: yes.
Comment: The R579C variant in the ZNF711 gene has not been reported previously as a pathogenic variant, nor as a benign variant, to our knowledge. The R579C variant is not observed in large population cohorts (Lek et al., 2016; 1000 Genomes Consortium et al., 2015; Exome Variant Server). The R579C variant is a non-conservative amino acid substitution, which is likely to impact secondary protein structure as these residues differ in polarity, charge, size and/or other properties. This substitution occurs at a position that is not conserved. In silico analysis predicts this variant is probably damaging to the protein structure/function. We interpret R579C as a variant of uncertain significance.

NM_001330574.2(ZNF711):c.1873C>T (p.Arg625Cys)

Gene: ZNF711 (ZFX family zinc finger ZNF711; plus strand). Cytogenetic location: Xq21.1.
Variant type: single nucleotide variant.
Coding change: c.1873C>T on transcript NM_001330574.2 (MANE Select); coding-DNA position 1873, C replaced by T.
Protein change: p.Arg625Cys; replaces arginine 625 with cysteine.
Molecular consequence: missense variant.
Genome position (GRCh38, 1-based): chrX:85,271,277, C>T. VCF-style: chrX-85271277-C-T. GRCh37 (hg19) VCF-style: chrX-84526283-C-T.
Other names: c.1735C>T, p.Arg579Cys (NM_021998.5); short protein forms R579C, R625C.
Identifiers: ClinVar variation 426712 (VCV000426712.32), dbSNP rs995774322, ClinGen allele CA332538487.